The following is an entry in ClinVar:

NM_001174089.2(SLC4A11):c.2389-9C>T

Gene: SLC4A11 (solute carrier family 4 member 11; minus strand). Cytogenetic location: 20p13.
Variant type: single nucleotide variant.
Coding change: c.2389-9C>T on transcript NM_001174089.2 (MANE Select); 9 bases into the intron before coding-DNA position 2389, C replaced by T.
Molecular consequence: intron variant.
Genome position (GRCh38, 1-based): chr20:3,228,437, G>A on the plus strand (C>T on the coding strand, the complement: SLC4A11 is on the minus strand). VCF-style: chr20-3228437-G-A. GRCh37 (hg19) VCF-style: chr20-3209083-G-A.
Other names: p.?; c.2518-9C>T (NM_001174090.2); c.2437-9C>T (NM_032034.4); c.2275-9C>T (NM_001363745.2).
Identifiers: ClinVar variation 261999 (VCV000261999.26), dbSNP rs41281858, ClinGen allele CA9741469.
Genomic context (GRCh38, chr20:3,228,437, plus strand): 5'-GGATCTTCCTCTGGGGCACCCTCCGGATGTAGTGTGTCGGGGGGTACGCAGTCTGTGGGC[G>A]GCAGGGACCGGGTGTGGGCAGGCATGGGGCTGTGTCCCCACCCACGCCACTCCCTCGCAG-3'

ClinVar aggregate classification (germline): Benign. Review status: criteria provided, multiple submitters, no conflicts (2 of 4 stars). 9 submissions from 8 submitters: Benign (8). 1 of the submissions does not count toward it. Last evaluated 2026-02-04.

Conditions:
Corneal dystrophy. Identifiers: Orphanet 34533, MedGen C0010036, MONDO:0018102, HP:0001131.
Corneal dystrophy-perceptive deafness syndrome (CDPD). Also called: CORNEAL DYSTROPHY AND SENSORINEURAL DEAFNESS; HARBOYAN SYNDROME. Identifiers: Orphanet 1490, MedGen C1857572, MONDO:0009015, OMIM 217400.
Congenital hereditary endothelial dystrophy of cornea. Also called: Corneal endothelial dystrophy, autosomal recessive; Congenital hereditary endothelial dystrophy of the cornea; Maumenee corneal dystrophy; CORNEAL DYSTROPHY, CONGENITAL HEREDITARY ENDOTHELIAL; Congenital hereditary endothelial dystrophy type II. Identifiers: Orphanet 293603, MedGen C1857569, MONDO:0009019, OMIM 217700.

Allele frequency attached by ClinVar (database versions not stated): gnomAD 0.17452 and 0.16844; 1000 Genomes Project 30x 0.16255; ESP Exome Variant Server 0.17600; 1000 Genomes Project 0.15915; TOPMed 0.17236.
gnomAD v4.1: 215,155 of 1,612,928 alleles (13%); highest among the groups gnomAD compares: African/African-American, 28%; 15,789 homozygotes.

Submissions (9):

Labcorp Genetics (formerly Invitae), Labcorp
Classification: Benign. Last evaluated: 2026-02-04. Review status: criteria provided, single submitter. Criteria: Invitae Variant Classification Sherloc (09022015). Collection method: clinical testing. Allele origin: germline.

Mayo Clinic Laboratories, Mayo Clinic
Classification: Benign. Last evaluated: 2022-11-10. Review status: criteria provided, single submitter. Criteria: ACMG Guidelines, 2015. Collection method: clinical testing. Allele origin: germline. Observed: 10 variant alleles.

Genome-Nilou Lab
Classification: Benign for Corneal dystrophy-perceptive deafness syndrome. Last evaluated: 2021-07-10. Review status: criteria provided, single submitter. Criteria: ACMG Guidelines, 2015. Collection method: clinical testing. Allele origin: germline. Affected: no.

Genome-Nilou Lab
Classification: Benign for Congenital hereditary endothelial dystrophy of cornea. Last evaluated: 2021-07-10. Review status: criteria provided, single submitter. Criteria: ACMG Guidelines, 2015. Collection method: clinical testing. Allele origin: germline. Affected: no.

GeneDx
Classification: Benign. Last evaluated: 2019-08-08. Review status: criteria provided, single submitter. Criteria: GeneDx Variant Classification Process June 2021. Collection method: clinical testing. Allele origin: germline. Affected: yes.

Illumina Laboratory Services, Illumina
Classification: Benign for Corneal dystrophy. Last evaluated: 2018-01-13. Review status: criteria provided, single submitter. Criteria: ICSL Variant Classification Criteria 13 December 2019. Collection method: clinical testing. Allele origin: germline.
Comment: This variant was observed in the ICSL laboratory as part of a predisposition screen in an ostensibly healthy population. It had not been previously curated by ICSL or reported in the Human Gene Mutation Database (HGMD: prior to June 1st, 2018), and was therefore a candidate for classification through an automated scoring system. Utilizing variant allele frequency, disease prevalence and penetrance estimates, and inheritance mode, an automated score was calculated to assess if this variant is too frequent to cause the disease. Based on the score and internal cut-off values, a variant classified as benign is not then subjected to further curation. The score for this variant resulted in a classification of benign for this disease.

Breakthrough Genomics
Classification: Benign. Review status: criteria provided, single submitter. Criteria: ACMG Guidelines, 2015. Collection method: not provided. Allele origin: germline. Inheritance: Autosomal recessive inheritance. Affected: yes.

PreventionGenetics, part of Exact Sciences
Classification: Benign. Review status: criteria provided, single submitter. Criteria: ACMG Guidelines, 2015. Collection method: clinical testing. Allele origin: germline.

Natera, Inc.
Classification: Benign for Corneal dystrophy-perceptive deafness syndrome. Last evaluated: 2019-11-20. Review status: no assertion criteria provided. Collection method: clinical testing. Allele origin: germline. Not counted in ClinVar's aggregate classification.